The following is an entry in ClinVar:

ClinVar aggregate classification (germline): Uncertain significance (1 of 4 stars; one submission).

Conditions:
DYRK1B-related disorder. Also called: DYRK1B-related condition.

Submission:

PreventionGenetics, part of Exact Sciences
Classification: Uncertain significance for DYRK1B-related condition. Last evaluated: 2026-01-04. Review status: criteria provided, single submitter. Criteria: ACMG Guidelines, 2015. Collection method: clinical testing. Allele origin: germline.
Comment: The DYRK1B c.1394G>A variant is predicted to result in the amino acid substitution p.Ser465Asn. To our knowledge, this variant has not been reported in the literature or in a large population database (gnomAD), indicating this variant is rare. At this time, the clinical significance of this variant is uncertain due to the absence of conclusive functional and genetic evidence.

NM_004714.3(DYRK1B):c.1394G>A (p.Ser465Asn)

Gene: DYRK1B (dual specificity tyrosine phosphorylation regulated kinase 1B; minus strand). Cytogenetic location: 19q13.2.
Variant type: single nucleotide variant.
Coding change: c.1394G>A on transcript NM_004714.3 (MANE Select); coding-DNA position 1394, G replaced by A.
Protein change: p.Ser465Asn; replaces serine 465 with asparagine.
Molecular consequence: missense variant.
Genome position (GRCh38, 1-based): chr19:39,826,689, C>T on the plus strand (G>A on the coding strand, the complement: DYRK1B is on the minus strand). VCF-style: chr19-39826689-C-T. GRCh37 (hg19) VCF-style: chr19-40317329-C-T.
Other names: c.1274G>A, p.Ser425Asn (NM_006483.3); c.1310G>A, p.Ser437Asn (NM_006484.3); short protein forms S465N, S425N, S437N.
Identifiers: ClinVar variation 4996195 (VCV004996195.1).